The following is an entry in ClinVar:

ClinVar aggregate classification (germline): Likely benign (1 of 4 stars; one submission).

Allele frequency attached by ClinVar (database versions not stated): gnomAD exomes 0.00013; 1000 Genomes Project 30x 0.00016; 1000 Genomes Project 0.00020; TOPMed 0.00021; ExAC 0.00024; gnomAD 0.00028; ESP Exome Variant Server 0.00038.
gnomAD v4.1: 238 of 1,614,208 alleles (0.015%); highest among the groups gnomAD compares: Middle Eastern, 0.15%; 1 homozygote.

Submission:

CeGaT Center for Human Genetics Tuebingen
Classification: Likely benign. Last evaluated: 2025-07-01. Review status: criteria provided, single submitter. Criteria: CeGaT Center For Human Genetics Tuebingen Variant Classification Criteria Version 2. Collection method: clinical testing. Allele origin: germline. Affected: yes. Observed: 2 variant alleles.
Comment: KDM3B: BP4, BP7

NM_016604.4(KDM3B):c.1494A>C (p.Thr498=)

Gene: KDM3B (lysine demethylase 3B; plus strand). Cytogenetic location: 5q31.2.
Variant type: single nucleotide variant.
Coding change: c.1494A>C on transcript NM_016604.4 (MANE Select); coding-DNA position 1494, A replaced by C.
Protein change: p.Thr498=; no amino-acid change (threonine 498 retained).
Molecular consequence: synonymous variant.
Genome position (GRCh38, 1-based): chr5:138,391,126, A>C. VCF-style: chr5-138391126-A-C. GRCh37 (hg19) VCF-style: chr5-137726815-A-C.
Identifiers: ClinVar variation 2673028 (VCV002673028.23), dbSNP rs141171612, ClinGen allele CA3428925.
Genomic context (GRCh38, chr5:138,391,126, plus strand): 5'-TTCATCGCAACCTTTGACTTTTGGAAGTGGAAGGAGCCAGTCCAATGGTGTTCTAGCCAC[A>C]GAGAACAAACCTTTGGGCTTCTCTTTTGGCTGTAGCTCTGCACAAGAGGCACAGAAAGAC-3'
Protein context (NP_057688.3, residues 488-508): GRSQSNGVLA[Thr498=]ENKPLGFSFG